The following is an entry in ClinVar:

NM_006060.6(IKZF1):c.1091C>A (p.Ser364Ter)

Gene: IKZF1 (IKAROS family zinc finger 1; plus strand). Cytogenetic location: 7p12.2.
Variant type: single nucleotide variant.
Coding change: c.1091C>A on transcript NM_006060.6 (MANE Select); coding-DNA position 1091, C replaced by A.
Protein change: p.Ser364Ter; replaces serine 364 with a stop codon.
Molecular consequence: nonsense.
Genome position (GRCh38, 1-based): chr7:50,400,158, C>A. VCF-style: chr7-50400158-C-A. GRCh37 (hg19) VCF-style: chr7-50467856-C-A.
Other names: c.965C>A, p.Ser322Ter (NM_001220765.3, NM_001291837.2); c.800C>A, p.Ser267Ter (NM_001220767.2); c.830C>A, p.Ser277Ter (NM_001220768.2, NM_001291838.2); c.674C>A, p.Ser225Ter (NM_001220770.2); c.662C>A, p.Ser221Ter (NM_001220771.2, NM_001291841.1); c.704C>A, p.Ser235Ter (NM_001291839.2); c.401C>A, p.Ser134Ter (NM_001291840.1); c.632C>A, p.Ser211Ter (NM_001291842.1); and 3 more; short protein forms S179*, S221*, S277*, S322*, S211*, S225*, S384*, S267*.
Identifiers: ClinVar variation 4725666 (VCV004725666.1).

ClinVar aggregate classification (germline): Uncertain significance (1 of 4 stars; one submission).

Submission:

Labcorp Genetics (formerly Invitae), Labcorp
Classification: Uncertain significance. Last evaluated: 2025-11-26. Review status: criteria provided, single submitter. Criteria: Invitae Variant Classification Sherloc (09022015). Collection method: clinical testing. Allele origin: germline.
Comment: This sequence change creates a premature translational stop signal (p.Ser364*) in the IKZF1 gene. While this is not anticipated to result in nonsense mediated decay, it is expected to disrupt the last 156 amino acid(s) of the IKZF1 protein. This variant is not present in population databases (gnomAD no frequency). This variant has not been reported in the literature in individuals affected with IKZF1-related conditions. Experimental studies and prediction algorithms are not available or were not evaluated, and the functional significance of this variant is currently unknown. In summary, the available evidence is currently insufficient to determine the role of this variant in disease. Therefore, it has been classified as a Variant of Uncertain Significance.